The following is an entry in ClinVar:

ClinVar aggregate classification (germline): Benign/Likely benign. Review status: criteria provided, multiple submitters, no conflicts (2 of 4 stars). 3 submissions from 3 submitters: Benign (1); Likely benign (1). 1 of the submissions does not count toward it. Last evaluated 2025-12-21.

Conditions:
C1S-related disorder. Also called: C1S-related condition.

Allele frequency attached by ClinVar (database versions not stated): gnomAD exomes 0.00004 and 0.00018; gnomAD 0.00006 and 0.00007; TOPMed 0.00011; 1000 Genomes Project 30x 0.00016; ExAC 0.00016; 1000 Genomes Project 0.00020.
gnomAD v4.1: 72 of 1,613,858 alleles (0.0045%); highest among the groups gnomAD compares: East Asian, 0.15%; no homozygotes.

Submissions (3):

Labcorp Genetics (formerly Invitae), Labcorp
Classification: Benign. Last evaluated: 2025-12-21. Review status: criteria provided, single submitter. Criteria: Invitae Variant Classification Sherloc (09022015). Collection method: clinical testing. Allele origin: germline.

Women's Health and Genetics/Laboratory Corporation of America, LabCorp
Classification: Likely benign. Last evaluated: 2025-07-16. Review status: criteria provided, single submitter. Criteria: LabCorp Variant Classification Summary - May 2015. Collection method: clinical testing. Allele origin: germline.

PreventionGenetics, part of Exact Sciences
Classification: Likely benign for C1S-related condition. Last evaluated: 2019-12-27. Review status: no assertion criteria provided. Collection method: clinical testing. Allele origin: germline. Not counted in ClinVar's aggregate classification.
Comment: This variant is classified as likely benign based on ACMG/AMP sequence variant interpretation guidelines (Richards et al. 2015 PMID: 25741868, with internal and published modifications).

NM_001734.5(C1S):c.1067-8T>G

Gene: C1S (complement C1s; plus strand). Cytogenetic location: 12p13.31.
Variant type: single nucleotide variant.
Coding change: c.1067-8T>G on transcript NM_001734.5 (MANE Select); 8 bases into the intron before coding-DNA position 1067, T replaced by G.
Molecular consequence: intron variant.
Genome position (GRCh38, 1-based): chr12:7,067,635, T>G. VCF-style: chr12-7067635-T-G. GRCh37 (hg19) VCF-style: chr12-7174939-T-G.
Other names: c.1067-8T>G (NM_201442.4, NM_201442.3); c.566-8T>G (NM_001346850.2).
Identifiers: ClinVar variation 797694 (VCV000797694.13), dbSNP rs200457590, ClinGen allele CA6423673.